The following is an entry in ClinVar:

NM_001365276.2(TNXB):c.4459C>G (p.Pro1487Ala)

Gene: TNXB (tenascin XB; minus strand). Cytogenetic location: 6p21.33.
Variant type: single nucleotide variant.
Coding change: c.4459C>G on transcript NM_001365276.2 (MANE Select); coding-DNA position 4459, C replaced by G.
Protein change: p.Pro1487Ala; replaces proline 1487 with alanine.
Molecular consequence: missense variant.
Genome position (GRCh38, 1-based): chr6:32,073,869, G>C on the plus strand (C>G on the coding strand, the complement: TNXB is on the minus strand). VCF-style: chr6-32073869-G-C. GRCh37 (hg19) VCF-style: chr6-32041646-G-C.
Other names: c.5200C>G, p.Pro1734Ala (NM_001428335.1); c.4459C>G, p.Pro1487Ala (NM_019105.8); short protein forms P1487A, P1734A.
Identifiers: ClinVar variation 3459784 (VCV003459784.1).

ClinVar aggregate classification (germline): Uncertain significance (1 of 4 stars; one submission).

Conditions:
Cardiovascular phenotype. Identifiers: MedGen CN230736.

gnomAD v4.1: 1 of 1,610,912 alleles (0.000062%); highest among the groups gnomAD compares: Admixed American, 0.0017%; no homozygotes.

Submission:

Ambry Genetics
Classification: Uncertain significance for Cardiovascular phenotype. Last evaluated: 2024-09-02. Review status: criteria provided, single submitter. Criteria: Ambry Variant Classification Scheme 2023. Collection method: clinical testing. Allele origin: germline.
Comment: The p.P1487A variant (also known as c.4459C>G), located in coding exon 11 of the TNXB gene, results from a C to G substitution at nucleotide position 4459. The proline at codon 1487 is replaced by alanine, an amino acid with highly similar properties. This amino acid position is conserved. In addition, this alteration is predicted to be tolerated by in silico analysis. Based on the available evidence, the clinical significance of this variant remains unclear.